The following is an entry in ClinVar:

ClinVar aggregate classification (germline): Uncertain significance (1 of 4 stars; one submission).

Conditions:
Hypogonadotropic hypogonadism 12 with or without anosmia (HH12). Also called: Gonadotropin deficiency familial idiopathic; GNRH1-Related GnRH Deficiency. Identifiers: Orphanet 432, MedGen C1856897, MONDO:0013914, OMIM 614841.

Submission:

First Genomix Gene Laboratory, Genetic Diagnostics Department
Classification: Uncertain significance for Hypogonadotropic hypogonadism 12 with or without anosmia. Last evaluated: 2025-06-04. Review status: criteria provided, single submitter. Criteria: ACMG Guidelines, 2015. Collection method: clinical testing. Allele origin: germline. Inheritance: Autosomal recessive inheritance. Affected: no.
Comment: This variant has not been previously reported in the literature.

NM_001083111.2(GNRH1):c.21_23del (p.Leu8del)

Gene: GNRH1 (gonadotropin releasing hormone 1; minus strand). Cytogenetic location: 8p21.2.
Variant type: Deletion.
Coding change: c.21_23del on transcript NM_001083111.2 (MANE Select); coding-DNA positions 21 to 23, 3 bases deleted (CCT; older notation c.21_23delCCT).
Protein change: p.Leu8del; deletes leucine 8.
Genome position (GRCh38, 1-based): chr8:25,423,308-25,423,310, AGG deleted on the plus strand (CCT on the coding strand, the reverse complement: GNRH1 is on the minus strand); deleting any 3 consecutive bases within chr8:25,423,308-25,423,312 gives the same sequence; the c. name uses the placement nearest the transcript's 3' end. VCF-style (leftmost placement, unchanged base first): chr8-25423307-TAGG-T. GRCh37 (hg19) VCF-style: chr8-25280823-TAGG-T.
Other names: c.33_35del, p.Leu12del (NM_000825.3); c.33_35delCCT (NM_000825.3); short protein forms L12del, L8del.
Identifiers: ClinVar variation 4849461 (VCV004849461.1).